The following is an entry in ClinVar:

NM_173630.4(RTTN):c.376T>A (p.Ser126Thr)

Gene: RTTN (rotatin; minus strand). Cytogenetic location: 18q22.2.
Variant type: single nucleotide variant.
Coding change: c.376T>A on transcript NM_173630.4 (MANE Select); coding-DNA position 376, T replaced by A.
Protein change: p.Ser126Thr; replaces serine 126 with threonine.
Molecular consequence: missense variant. On other transcripts: 5 prime UTR variant (1).
Genome position (GRCh38, 1-based): chr18:70,204,107, A>T on the plus strand (T>A on the coding strand, the complement: RTTN is on the minus strand). VCF-style: chr18-70204107-A-T. GRCh37 (hg19) VCF-style: chr18-67871343-A-T.
Other names: c.-2178T>A (NM_001318520.2); short protein forms S126T.
Identifiers: ClinVar variation 130178 (VCV000130178.11), dbSNP rs3911730, ClinGen allele CA155003.

ClinVar aggregate classification (germline): Uncertain significance. Review status: criteria provided, single submitter (1 of 4 stars). 2 submissions from 2 submitters: Uncertain significance (1). 1 of the submissions does not count toward it. Last evaluated 2025-09-04.

gnomAD v4.1: 51 of 1,612,192 alleles (0.0032%); highest among the groups gnomAD compares: Admixed American, 0.058%; no homozygotes.

Submissions (2):

Labcorp Genetics (formerly Invitae), Labcorp
Classification: Uncertain significance. Last evaluated: 2025-09-04. Review status: criteria provided, single submitter. Criteria: Invitae Variant Classification Sherloc (09022015). Collection method: clinical testing. Allele origin: germline.
Comment: This sequence change replaces serine, which is neutral and polar, with threonine, which is neutral and polar, at codon 126 of the RTTN protein (p.Ser126Thr). This variant is present in population databases (rs3911730, gnomAD 0.07%). This variant has not been reported in the literature in individuals affected with RTTN-related conditions. ClinVar contains an entry for this variant (Variation ID: 130178). Invitae Evidence Modeling of protein sequence and biophysical properties (such as structural, functional, and spatial information, amino acid conservation, physicochemical variation, residue mobility, and thermodynamic stability) indicates that this missense variant is not expected to disrupt RTTN protein function with a negative predictive value of 80%. In summary, the available evidence is currently insufficient to determine the role of this variant in disease. Therefore, it has been classified as a Variant of Uncertain Significance.

Genetic Services Laboratory, University of Chicago
Classification: Likely benign for AllHighlyPenetrant. Review status: no assertion criteria provided. Collection method: clinical testing. Allele origin: germline. Inheritance: Autosomal recessive inheritance. Not counted in ClinVar's aggregate classification.
Comment: Likely benign based on allele frequency in 1000 Genomes Project or ESP global frequency and its presence in a patient with a rare or unrelated disease phenotype. NOT Sanger confirmed.